The following is an entry in ClinVar:

ClinVar aggregate classification (germline): Conflicting classifications of pathogenicity. Review status: criteria provided, conflicting classifications (1 of 4 stars). 4 submissions from 4 submitters: Uncertain significance (3); Likely benign (1). Last evaluated 2024-10-15.

Conditions:
Cardiovascular phenotype. Identifiers: MedGen CN230736.
Long QT syndrome (LQTS). Identifiers: MedGen C0023976, MeSH D008133, MONDO:0002442. Disease mechanism: loss of function. Inheritance: Various modes of inheritance.
Cardiac arrhythmia, ankyrin-B-related. Also called: ANKYRIN-B SYNDROME. Identifiers: Orphanet 101016, Orphanet 768, MedGen C1970119, MONDO:0010958, OMIM 600919.

Allele frequency attached by ClinVar (database versions not stated): gnomAD exomes 0.00002 and 0.00010; TOPMed 0.00002; gnomAD 0.00003 and 0.00004.
gnomAD v4.1: 144 of 1,613,962 alleles (0.0089%); highest among the groups gnomAD compares: Non-Finnish European, 0.012%; no homozygotes.

Submissions (4):

Labcorp Genetics (formerly Invitae), Labcorp
Classification: Uncertain significance for Long QT syndrome. Last evaluated: 2024-10-15. Review status: criteria provided, single submitter. Criteria: Invitae Variant Classification Sherloc (09022015). Collection method: clinical testing. Allele origin: germline.
Comment: This sequence change replaces valine, which is neutral and non-polar, with leucine, which is neutral and non-polar, at codon 1777 of the ANK2 protein (p.Val1777Leu). This variant is present in population databases (no rsID available, gnomAD 0.004%). This variant has not been reported in the literature in individuals affected with ANK2-related conditions. ClinVar contains an entry for this variant (Variation ID: 347325). Invitae Evidence Modeling of protein sequence and biophysical properties (such as structural, functional, and spatial information, amino acid conservation, physicochemical variation, residue mobility, and thermodynamic stability) indicates that this missense variant is not expected to disrupt ANK2 protein function with a negative predictive value of 80%. In summary, the available evidence is currently insufficient to determine the role of this variant in disease. Therefore, it has been classified as a Variant of Uncertain Significance.

GeneDx
Classification: Uncertain significance. Last evaluated: 2021-04-09. Review status: criteria provided, single submitter. Criteria: GeneDx Variant Classification Process June 2021. Collection method: clinical testing. Allele origin: germline. Affected: yes.
Comment: Has not been previously published as pathogenic or benign in association with an ANK2-related cardiac arrhythmia phenotype to our knowledge; Reported in ClinVar as a variant of uncertain significance (ClinVar Variant ID# 347325; Landrum et al., 2016); In silico analysis supports that this missense variant does not alter protein structure/function; Located in exon 38, which is reported as being expressed in a brain-specific transcript (Otto et al, 1991; Cunha et al, 2008; Wu et al, 2015); This variant is associated with the following publications: (PMID: 28831199)

Ambry Genetics
Classification: Likely benign for Cardiovascular phenotype. Last evaluated: 2020-01-03. Review status: criteria provided, single submitter. Criteria: Ambry Variant Classification Scheme 2023. Collection method: clinical testing. Allele origin: germline.

Illumina Laboratory Services, Illumina
Classification: Uncertain significance for Cardiac arrhythmia, ankyrin-B-related. Last evaluated: 2018-01-13. Review status: criteria provided, single submitter. Criteria: ICSL Variant Classification Criteria 13 December 2019. Collection method: clinical testing. Allele origin: germline.

Literature cited by the submitters: PubMed 28831199 (cited by Ambry Genetics).

NM_001148.6(ANK2):c.5329G>C (p.Val1777Leu)

Genes: ANK2 (ankyrin 2; plus strand), LOC126807136 (MED14-independent group 3 enhancer GRCh37_chr4:114274931-114276130; plus strand). Cytogenetic location: 4q26.
Variant type: single nucleotide variant.
Coding change: c.5329G>C on transcript NM_001148.6 (MANE Select); coding-DNA position 5329, G replaced by C.
Protein change: p.Val1777Leu; replaces valine 1777 with leucine.
Molecular consequence: missense variant. On other transcripts: intron variant (68).
Genome position (GRCh38, 1-based): chr4:113,353,947, G>C. VCF-style: chr4-113353947-G-C. GRCh37 (hg19) VCF-style: chr4-114275103-G-C.
Other names: c.5095G>C, p.Val1699Leu (NM_001386142.1); c.1729G>C, p.Val577Leu (NM_001386166.1); c.5470G>C, p.Val1824Leu (NM_001386174.1); c.5446G>C, p.Val1816Leu (NM_001386175.1); c.4411+3698G>C (NM_001386186.2, NM_001386148.2); c.4213+3698G>C (NM_001354269.3); c.4291+3698G>C (NM_001386187.2); c.4252+3698G>C (NM_001386147.1); and 35 more; short protein forms V1777L, V1699L, V1816L, V1824L, V577L.
Identifiers: ClinVar variation 347325 (VCV000347325.16), dbSNP rs886059014, ClinGen allele CA10619947.